The following is an entry in ClinVar:

ClinVar aggregate classification (germline): Uncertain significance (1 of 4 stars; one submission).

Conditions:
Hereditary breast ovarian cancer syndrome. Also called: Hereditary breast and ovarian cancer; Hereditary breast and ovarian cancer syndrome (HBOC); Breast and ovarian cancer; Hereditary breast and/or ovarian cancer syndrome; BRCA1- and BRCA2-Associated Hereditary Breast and Ovarian Cancer; Hereditary breast and ovarian cancer syndrome. Identifiers: Orphanet 145, MedGen C0677776, MeSH D061325, MONDO:0003582. Disease mechanism: loss of function.

Submissions (2):

Labcorp Genetics (formerly Invitae), Labcorp
Classification: Uncertain significance for Hereditary breast ovarian cancer syndrome. Last evaluated: 2025-08-02. Review status: criteria provided, single submitter. Criteria: Invitae Variant Classification Sherloc (09022015). Collection method: clinical testing. Allele origin: germline.
Comment: This sequence change falls in intron 21 of the BRCA1 gene. It does not directly change the encoded amino acid sequence of the BRCA1 protein. This variant is not present in population databases (gnomAD no frequency). This variant has been observed in individual(s) with breast and ovarian cancer (PMID: 31907386). ClinVar contains an entry for this variant (Variation ID: 868069). Algorithms developed to predict the effect of sequence changes on RNA splicing suggest that this variant may disrupt the consensus splice site. In summary, the available evidence is currently insufficient to determine the role of this variant in disease. Therefore, it has been classified as a Variant of Uncertain Significance.

Brotman Baty Institute, University of Washington
No classification provided (evidence only). Condition: Breast-ovarian cancer, familial 1. Review status: no classification provided. Collection method: in vitro. Allele origin: not applicable. Functional consequence: functionally_normal. Not counted in ClinVar's aggregate classification.
ClinVar note: "not provided" was previously submitted as the classification for the variant. However, the classification appeared to be based only on an observation of functional data so it was converted to no classification on 2025-07-30.

Literature cited by the submitters: PubMed 31907386 (cited by Labcorp Genetics (formerly Invitae), Labcorp).

NM_007294.4(BRCA1):c.5407-11T>A

Gene: BRCA1 (BRCA1 DNA repair associated; minus strand). Cytogenetic location: 17q21.31.
Variant type: single nucleotide variant.
Coding change: c.5407-11T>A on transcript NM_007294.4 (MANE Select); 11 bases into the intron before coding-DNA position 5407, T replaced by A.
Molecular consequence: intron variant.
Genome position (GRCh38, 1-based): chr17:43,047,714, A>T on the plus strand (T>A on the coding strand, the complement: BRCA1 is on the minus strand). VCF-style: chr17-43047714-A-T. GRCh37 (hg19) VCF-style: chr17-41199731-A-T.
Other names: c.1954-11T>A (NM_001408458.1, NM_001408461.1, NM_001408464.1 and 7 more transcripts); c.4516-11T>A (NM_001407967.1); c.5026-11T>A (NM_001407959.1); c.5140-11T>A (NM_001407931.1, NM_001407932.1, NM_001407928.1 and 4 more transcripts); c.5263-11T>A (NM_001407747.1, NM_001407745.1, NM_001407737.1 and 18 more transcripts); c.5023-11T>A (NM_001407962.1, NM_001407960.1); c.1594-11T>A (NM_001408512.1); c.1717-11T>A (NM_001408510.1); and 83 more.
Identifiers: ClinVar variation 868069 (VCV000868069.4), dbSNP rs1362166647, ClinGen allele CA916080793.